The following is an entry in ClinVar:

ClinVar aggregate classification (germline): Uncertain significance (1 of 4 stars; one submission).

Conditions:
MHC class I deficiency. Identifiers: Orphanet 34592, MedGen C6024714, MONDO:0011476.

Submission:

Labcorp Genetics (formerly Invitae), Labcorp
Classification: Uncertain significance for MHC class I deficiency 1. Last evaluated: 2026-02-01. Review status: criteria provided, single submitter. Criteria: Invitae Variant Classification Sherloc (09022015). Collection method: clinical testing. Allele origin: germline.
Comment: This sequence change replaces glycine, which is neutral and non-polar, with valine, which is neutral and non-polar, at codon 203 of the TAPBP protein (p.Gly203Val). This variant is not present in population databases (gnomAD no frequency). This variant has not been reported in the literature in individuals affected with TAPBP-related conditions. An algorithm developed to predict the effect of missense changes on protein structure and function (PolyPhen-2) suggests that this variant is likely to be disruptive. In summary, the available evidence is currently insufficient to determine the role of this variant in disease. Therefore, it has been classified as a Variant of Uncertain Significance.

NM_003190.5(TAPBP):c.608G>T (p.Gly203Val)

Gene: TAPBP (TAP binding protein; minus strand). Cytogenetic location: 6p21.32.
Variant type: single nucleotide variant.
Coding change: c.608G>T on transcript NM_003190.5 (MANE Select); coding-DNA position 608, G replaced by T.
Protein change: p.Gly203Val; replaces glycine 203 with valine.
Molecular consequence: missense variant.
Genome position (GRCh38, 1-based): chr6:33,305,249, C>A on the plus strand (G>T on the coding strand, the complement: TAPBP is on the minus strand). VCF-style: chr6-33305249-C-A. GRCh37 (hg19) VCF-style: chr6-33273026-C-A.
Other names: c.608G>T, p.Gly203Val (NM_172208.3, NM_001410875.1); c.347G>T, p.Gly116Val (NM_172209.3); short protein forms G116V, G203V.
Identifiers: ClinVar variation 4744249 (VCV004744249.1).